The following is an entry in ClinVar:

NM_002577.4(PAK2):c.836A>C (p.Gln279Pro)

Gene: PAK2 (p21 (RAC1) activated kinase 2; plus strand). Cytogenetic location: 3q29.
Variant type: single nucleotide variant.
Coding change: c.836A>C on transcript NM_002577.4 (MANE Select); coding-DNA position 836, A replaced by C.
Protein change: p.Gln279Pro; replaces glutamine 279 with proline.
Molecular consequence: missense variant.
Genome position (GRCh38, 1-based): chr3:196,812,752, A>C. VCF-style: chr3-196812752-A-C. GRCh37 (hg19) VCF-style: chr3-196539623-A-C.
Other names: short protein forms Q279P.
Identifiers: ClinVar variation 3362907 (VCV003362907.2).

ClinVar aggregate classification (germline): Likely pathogenic (1 of 4 stars; one submission).

Conditions:
Knobloch syndrome 2 (KNO2). Identifiers: MedGen C5676897, MONDO:0100119, OMIM 618458.

Submission:

Laboratoire de Génétique Moléculaire, CHU Bordeaux
Classification: Likely pathogenic for Knobloch syndrome 2. Last evaluated: 2024-10-15. Review status: criteria provided, single submitter. Criteria: ACMG Guidelines, 2015. Collection method: clinical testing. Allele origin: de novo. Inheritance: Autosomal dominant inheritance. Affected: yes. Observed: 1 heterozygote.
Comment: This variant is confirmed de novo (PS2), absent from control databases (PM2) and multiple lines of computational evidence support a deleterious effect on the gene or gene product (PP3). This variant is located in the kinase domain of PAK2 in which 4 other missense variants have been linked to Knobloch syndrome 2 (PMID 33693784, 38894571, 37808560, 38712026). In summary this variant met enough ACMG criteria to be classified as likely pathogenic (ACMG Guidelines, 2015, PMID 25741868)

Literature cited by the submitters: PubMed 33693784; PubMed 38894571; PubMed 37808560; PubMed 38712026.